The following is an entry in ClinVar:

NM_001378452.1(ITPR1):c.8036A>T (p.Asn2679Ile)

Gene: ITPR1 (inositol 1,4,5-trisphosphate receptor type 1; plus strand). Cytogenetic location: 3p26.1.
Variant type: single nucleotide variant.
Coding change: c.8036A>T on transcript NM_001378452.1 (MANE Select); coding-DNA position 8036, A replaced by T.
Protein change: p.Asn2679Ile; replaces asparagine 2679 with isoleucine.
Molecular consequence: missense variant.
Genome position (GRCh38, 1-based): chr3:4,836,781, A>T. VCF-style: chr3-4836781-A-T. GRCh37 (hg19) VCF-style: chr3-4878465-A-T.
Other names: c.7847A>T (NM_002222.5); c.7892A>T, p.Asn2631Ile (NM_001099952.4); c.7991A>T, p.Asn2664Ile (NM_001168272.2); c.7847A>T, p.Asn2616Ile (NM_002222.7); short protein forms N2616I, N2631I, N2664I, N2679I.
Identifiers: ClinVar variation 1924432 (VCV001924432.6), dbSNP rs1036740673, ClinGen allele CA69325229.

ClinVar aggregate classification (germline): Uncertain significance. Review status: criteria provided, multiple submitters, no conflicts (2 of 4 stars). 3 submissions from 3 submitters: Uncertain significance (3). Last evaluated 2026-09-21.

Conditions:
Inborn genetic diseases. Identifiers: MedGen C0950123, MeSH D030342.

Allele frequency attached by ClinVar (database versions not stated): gnomAD exomes below 0.00001; gnomAD 0.00001.
gnomAD v4.1: 5 of 1,369,686 alleles (0.00037%); highest among the groups gnomAD compares: Admixed American, 0.008%; no homozygotes.

Submissions (3):

GeneDx
Classification: Uncertain significance. Last evaluated: 2026-09-21. Review status: criteria provided, single submitter. Criteria: GeneDx Variant Classification Process June 2021. Collection method: clinical testing. Allele origin: germline.
Comment: Has not been previously published as pathogenic or benign to our knowledge; In silico analysis supports that this missense variant has a deleterious effect on protein structure/function

Ambry Genetics
Classification: Uncertain significance for Inborn genetic diseases. Last evaluated: 2025-12-22. Review status: criteria provided, single submitter. Criteria: Ambry Variant Classification Scheme 2023. Collection method: clinical testing. Allele origin: germline.

Labcorp Genetics (formerly Invitae), Labcorp
Classification: Uncertain significance. Last evaluated: 2023-10-17. Review status: criteria provided, single submitter. Criteria: Invitae Variant Classification Sherloc (09022015). Collection method: clinical testing. Allele origin: germline.
Comment: This sequence change replaces asparagine, which is neutral and polar, with isoleucine, which is neutral and non-polar, at codon 2616 of the ITPR1 protein (p.Asn2616Ile). This variant is present in population databases (no rsID available, gnomAD 0.007%). This variant has not been reported in the literature in individuals affected with ITPR1-related conditions. ClinVar contains an entry for this variant (Variation ID: 1924432). Advanced modeling of protein sequence and biophysical properties (such as structural, functional, and spatial information, amino acid conservation, physicochemical variation, residue mobility, and thermodynamic stability) performed at Invitae indicates that this missense variant is not expected to disrupt ITPR1 protein function. In summary, the available evidence is currently insufficient to determine the role of this variant in disease. Therefore, it has been classified as a Variant of Uncertain Significance.